The following is an entry in ClinVar:

NM_001873.4(CPE):c.569A>G (p.Asn190Ser)

Gene: CPE (carboxypeptidase E; plus strand). Cytogenetic location: 4q32.3.
Variant type: single nucleotide variant.
Coding change: c.569A>G on transcript NM_001873.4 (MANE Select); coding-DNA position 569, A replaced by G.
Protein change: p.Asn190Ser; replaces asparagine 190 with serine.
Molecular consequence: missense variant.
Genome position (GRCh38, 1-based): chr4:165,467,752, A>G. VCF-style: chr4-165467752-A-G. GRCh37 (hg19) VCF-style: chr4-166388904-A-G.
Other names: short protein forms N190S.
Identifiers: ClinVar variation 4996241 (VCV004996241.1).

ClinVar aggregate classification (germline): Uncertain significance (1 of 4 stars; one submission).

Conditions:
CPE-related disorder. Also called: CPE-related condition.

Submission:

PreventionGenetics, part of Exact Sciences
Classification: Uncertain significance for CPE-related condition. Last evaluated: 2025-10-16. Review status: criteria provided, single submitter. Criteria: ACMG Guidelines, 2015. Collection method: clinical testing. Allele origin: germline.
Comment: The CPE c.569A>G variant is predicted to result in the amino acid substitution p.Asn190Ser. To our knowledge, this variant has not been reported in the literature or in a large population database (gnomAD), indicating this variant is rare. At this time, the clinical significance of this variant is uncertain due to the absence of conclusive functional and genetic evidence.